The following is an entry in ClinVar:

NM_024596.5(MCPH1):c.193A>T (p.Lys65Ter)

Gene: MCPH1 (microcephalin 1; plus strand). Cytogenetic location: 8p23.1.
Variant type: single nucleotide variant.
Coding change: c.193A>T on transcript NM_024596.5 (MANE Select); coding-DNA position 193, A replaced by T.
Protein change: p.Lys65Ter; replaces lysine 65 with a stop codon.
Molecular consequence: nonsense. On other transcripts: non-coding transcript variant (1).
Genome position (GRCh38, 1-based): chr8:6,414,843, A>T. VCF-style: chr8-6414843-A-T. GRCh37 (hg19) VCF-style: chr8-6272364-A-T.
Other names: c.193A>T, p.Lys65Ter (NM_001172574.2, NM_001172575.2, NM_001322042.2 and 4 more transcripts); c.187A>T, p.Lys63Ter (NM_001322043.2); c.91A>T, p.Lys31Ter (NM_001322045.2); short protein forms K31*, K63*, K65*.
Identifiers: ClinVar variation 5014685 (VCV005014685.1).

ClinVar aggregate classification (germline): Pathogenic (1 of 4 stars; one submission).

Conditions:
Microcephaly 1, primary, autosomal recessive (MCPH1). Also called: PREMATURE CHROMOSOME CONDENSATION SYNDROME; PCC SYNDROME; PREMATURE CHROMOSOME CONDENSATION WITH MICROCEPHALY AND MENTAL RETARDATION. Identifiers: Orphanet 2512, MedGen C1855081, MONDO:0009617, OMIM 251200.

Submission:

Myriad Genetics, Inc.
Classification: Pathogenic for Microcephaly 1, primary, autosomal recessive. Last evaluated: 2025-07-05. Review status: criteria provided, single submitter. Criteria: Myriad Autosomal Dominant, Autosomal Recessive and X-Linked Classification Criteria (2023). Collection method: clinical testing. Allele origin: unknown.
Comment: NM_024596.3(MCPH1):c.193A>T(K65*) is expected to be pathogenic in the context of primary microcephaly, MCPH1-related. This variant is predicted to lead to an abnormal or absent protein product due to the creation of a premature termination codon in MCPH1, a gene where loss-of-function variants are known to be pathogenic. Please note: this variant was assessed in the context of healthy population screening.